The following is an entry in ClinVar:

ClinVar aggregate classification (germline): Uncertain significance (1 of 4 stars; one submission).

Allele frequency attached by ClinVar (database versions not stated): gnomAD 0.00002; TOPMed 0.00002; gnomAD exomes 0.00001.
gnomAD v4.1: 11 of 1,614,138 alleles (0.00068%); highest among the groups gnomAD compares: Admixed American, 0.0067%; no homozygotes.

Submission:

Labcorp Genetics (formerly Invitae), Labcorp
Classification: Uncertain significance. Last evaluated: 2026-01-05. Review status: criteria provided, single submitter. Criteria: Invitae Variant Classification Sherloc (09022015). Collection method: clinical testing. Allele origin: germline.
Comment: This sequence change replaces histidine, which is basic and polar, with arginine, which is basic and polar, at codon 153 of the KANK1 protein (p.His153Arg). This variant is present in population databases (rs759312631, gnomAD 0.006%). This variant has not been reported in the literature in individuals affected with KANK1-related conditions. ClinVar contains an entry for this variant (Variation ID: 2741218). An algorithm developed to predict the effect of missense changes on protein structure and function (PolyPhen-2) suggests that this variant is likely to be tolerated. In summary, the available evidence is currently insufficient to determine the role of this variant in disease. Therefore, it has been classified as a Variant of Uncertain Significance.

NM_015158.5(KANK1):c.458A>G (p.His153Arg)

Gene: KANK1 (KN motif and ankyrin repeat domains 1; plus strand). Cytogenetic location: 9p24.3.
Variant type: single nucleotide variant.
Coding change: c.458A>G on transcript NM_015158.5 (MANE Select); coding-DNA position 458, A replaced by G.
Protein change: p.His153Arg; replaces histidine 153 with arginine.
Molecular consequence: missense variant. On other transcripts: 5 prime UTR variant (12), non-coding transcript variant (1).
Genome position (GRCh38, 1-based): chr9:711,224, A>G. VCF-style: chr9-711224-A-G. GRCh37 (hg19) VCF-style: chr9-711224-A-G.
Other names: c.458A>G, p.His153Arg (NM_001256876.3, NM_001256877.3, NM_001354331.2 and 2 more transcripts); c.-17A>G (NM_001354333.2, NM_001354335.2, NM_001354336.2 and 9 more transcripts); short protein forms H153R.
Identifiers: ClinVar variation 2741218 (VCV002741218.3), dbSNP rs759312631, ClinGen allele CA4959948.
Genomic context (GRCh38, chr9:711,224, plus strand): 5'-CCATCCCAGAAAATCGACAGCTGCCACCTCCCTCACCACAACTCCCAAAGCATAACCTTC[A>G]TGTCACCAAGACACTGATGGAGACCCGGAGAAGACTGGAACAGGAGAGAGCCACCATGCA-3'
Protein context (NP_055973.2, residues 143-163): PSPQLPKHNL[His153Arg]VTKTLMETRR